The following is an entry in ClinVar:

ClinVar aggregate classification (germline): Uncertain significance (1 of 4 stars; one submission).

Conditions:
Immunodeficiency 36 with lymphoproliferation. Also called: ACTIVATED PI3K-DELTA SYNDROME 2; Activated PI3K Delta Syndrome Type 2 (APDS2); Immunodeficiency 36. Identifiers: Orphanet 397596, Orphanet 693681, MedGen C4014934, MONDO:0014453, OMIM 616005.
Agammaglobulinemia 7, autosomal recessive (AGM7). Also called: AGAMMAGLOBULINEMIA, AUTOSOMAL RECESSIVE, DUE TO PIK3R1 DEFECT. Identifiers: MedGen C3554689, MONDO:0014083, OMIM 615214.
SHORT syndrome. Also called: SHORT STATURE, HYPEREXTENSIBILITY, HERNIA, OCULAR DEPRESSION, RIEGER ANOMALY, AND TEETHING DELAY; PIK3R1-Related SHORT Syndrome; LIPODYSTROPHY, PARTIAL, WITH RIEGER ANOMALY AND SHORT STATURE. Identifiers: Orphanet 3163, MedGen C0878684, MONDO:0010026, OMIM 269880.

gnomAD v4.1: 47 of 1,611,664 alleles (0.0029%); highest among the groups gnomAD compares: Non-Finnish European, 0.004%; no homozygotes.

Submission:

Labcorp Genetics (formerly Invitae), Labcorp
Classification: Uncertain significance for SHORT syndrome; Immunodeficiency 36 with lymphoproliferation; Agammaglobulinemia 7, autosomal recessive. Last evaluated: 2024-10-22. Review status: criteria provided, single submitter. Criteria: Invitae Variant Classification Sherloc (09022015). Collection method: clinical testing. Allele origin: germline.
Comment: This sequence change replaces leucine, which is neutral and non-polar, with phenylalanine, which is neutral and non-polar, at codon 425 of the PIK3R1 protein (p.Leu425Phe). This variant is present in population databases (no rsID available, gnomAD 0.007%). This variant has not been reported in the literature in individuals affected with PIK3R1-related conditions. ClinVar contains an entry for this variant (Variation ID: 1054944). Invitae Evidence Modeling of protein sequence and biophysical properties (such as structural, functional, and spatial information, amino acid conservation, physicochemical variation, residue mobility, and thermodynamic stability) indicates that this missense variant is not expected to disrupt PIK3R1 protein function with a negative predictive value of 80%. In summary, the available evidence is currently insufficient to determine the role of this variant in disease. Therefore, it has been classified as a Variant of Uncertain Significance.

NM_181523.3(PIK3R1):c.1273C>T (p.Leu425Phe)

Gene: PIK3R1 (phosphoinositide-3-kinase regulatory subunit 1; plus strand). Cytogenetic location: 5q13.1.
Variant type: single nucleotide variant.
Coding change: c.1273C>T on transcript NM_181523.3 (MANE Select); coding-DNA position 1273, C replaced by T.
Protein change: p.Leu425Phe; replaces leucine 425 with phenylalanine.
Molecular consequence: missense variant.
Genome position (GRCh38, 1-based): chr5:68,293,457, C>T. VCF-style: chr5-68293457-C-T. GRCh37 (hg19) VCF-style: chr5-67589285-C-T.
Other names: c.184C>T, p.Leu62Phe (NM_001242466.2); c.463C>T, p.Leu155Phe (NM_181504.4); c.373C>T, p.Leu125Phe (NM_181524.2); short protein forms L125F, L155F, L425F, L62F.
Identifiers: ClinVar variation 1054944 (VCV001054944.9), dbSNP rs1001616209, ClinGen allele CA119905561.